The following is an entry in ClinVar:

NM_000057.4(BLM):c.799G>A (p.Asp267Asn)

Gene: BLM (BLM RecQ like helicase; plus strand). Cytogenetic location: 15q26.1.
Variant type: single nucleotide variant.
Coding change: c.799G>A on transcript NM_000057.4 (MANE Select); coding-DNA position 799, G replaced by A.
Protein change: p.Asp267Asn; replaces aspartic acid 267 with asparagine.
Molecular consequence: missense variant. On other transcripts: 5 prime UTR variant (1).
Genome position (GRCh38, 1-based): chr15:90,750,067, G>A. VCF-style: chr15-90750067-G-A. GRCh37 (hg19) VCF-style: chr15-91293297-G-A.
Other names: c.799G>A, p.Asp267Asn (NM_001287246.2, NM_001287247.2); c.-493G>A (NM_001287248.2); short protein forms D267N.
Identifiers: ClinVar variation 2452544 (VCV002452544.2), dbSNP rs1895641472, ClinGen allele CA393841589.

ClinVar aggregate classification (germline): Uncertain significance (1 of 4 stars; one submission).

Conditions:
Hereditary cancer-predisposing syndrome. Also called: Neoplastic Syndromes, Hereditary; Tumor predisposition; Hereditary neoplastic syndrome; Hereditary Cancer Syndrome. Identifiers: Orphanet 140162, MedGen C0027672, MeSH D009386, MONDO:0015356.

Allele frequency attached by ClinVar (database versions not stated): gnomAD exomes below 0.00001; TOPMed below 0.00001; gnomAD 0.00001.

Submission:

Ambry Genetics
Classification: Uncertain significance for Hereditary cancer-predisposing syndrome. Last evaluated: 2023-01-03. Review status: criteria provided, single submitter. Criteria: Ambry Variant Classification Scheme 2023. Collection method: clinical testing. Allele origin: germline.
Comment: The c.799G>A variant (also known as p.D267N), located in coding exon 2 of the BLM gene, results from a G to A substitution at nucleotide position 799. The amino acid change results in aspartic acid to asparagine at codon 267, an amino acid with highly similar properties. However, this change occurs in the last base pair of coding exon 2, which makes it likely to have some effect on normal mRNA splicing. This nucleotide position is highly conserved in available vertebrate species. In silico splice site analysis predicts that this alteration may result in the creation or strengthening of a novel splice donor site. This amino acid position is not well conserved in available vertebrate species. In addition, this alteration is predicted to be tolerated by in silico analysis. Since supporting evidence is limited at this time, the clinical significance of this alteration remains unclear.